The following is an entry in ClinVar:

NM_018344.6(SLC29A3):c.300+10del

Gene: SLC29A3 (solute carrier family 29 member 3; plus strand). Cytogenetic location: 10q22.1.
Variant type: Deletion.
Coding change: c.300+10del on transcript NM_018344.6 (MANE Select); 10 bases into the intron after coding-DNA position 300, one base deleted (T; older notation c.300+10delT).
Molecular consequence: intron variant.
Genome position (GRCh38, 1-based): chr10:71,323,064, T deleted. VCF-style (leftmost placement, unchanged base first): chr10-71323063-AT-A. GRCh37 (hg19) VCF-style: chr10-73082820-AT-A.
Other names: c.300+10del (NM_018344.5, NM_001174098.2); c.66+10del (NM_001363518.2).
Identifiers: ClinVar variation 468351 (VCV000468351.13), dbSNP rs770787764, ClinGen allele CA5542869.

ClinVar aggregate classification (germline): Likely benign. Review status: criteria provided, multiple submitters, no conflicts (2 of 4 stars). 3 submissions from 3 submitters: Likely benign (3). Last evaluated 2025-12-02.

Conditions:
SLC29A3-related disorder. Also called: SLC29A3-related condition.
H syndrome. Also called: FAISALABAD HISTIOCYTOSIS; Histiocytosis with joint contractures and sensorineural deafness; HISTIOCYTOSIS AND LYMPHADENOPATHY WITH OR WITHOUT CUTANEOUS, CARDIAC, AND/OR ENDOCRINE FEATURES, JOINT CONTRACTURES, AND/OR DEAFNESS; HYPERPIGMENTATION, CUTANEOUS, WITH HYPERTRICHOSIS, HEPATOSPLENOMEGALY, HEART ANOMALIES, AND HYPOGONADISM WITH OR WITHOUT HEARING LOSS; PIGMENTED HYPERTRICHOSIS WITH INSULIN-DEPENDENT DIABETES MELLITUS; ROSAI-DORFMAN DISEASE, FAMILIAL. Identifiers: Orphanet 168569, MedGen C1864445, MONDO:0011273, OMIM 602782.

Allele frequency attached by ClinVar (database versions not stated): ExAC 0.00037; gnomAD 0.00037 and 0.00039; TOPMed 0.00039; gnomAD exomes 0.00040 and 0.00053; ESP Exome Variant Server 0.00056.

Submissions (3):

Labcorp Genetics (formerly Invitae), Labcorp
Classification: Likely benign for H syndrome. Last evaluated: 2025-12-02. Review status: criteria provided, single submitter. Criteria: Invitae Variant Classification Sherloc (09022015). Collection method: clinical testing. Allele origin: germline.

Blueprint Genetics
Classification: Likely benign. Last evaluated: 2024-11-20. Review status: criteria provided, single submitter. Criteria: ACMG Guidelines, 2015. Collection method: clinical testing. Allele origin: germline.

PreventionGenetics, part of Exact Sciences
Classification: Likely benign for SLC29A3-related condition. Last evaluated: 2024-11-20. Review status: criteria provided, single submitter. Criteria: ACMG Guidelines, 2015. Collection method: clinical testing. Allele origin: germline.
Comment: This variant is classified as likely benign based on ACMG/AMP sequence variant interpretation guidelines (Richards et al. 2015 PMID: 25741868, with internal and published modifications).